The following is an entry in ClinVar:

ClinVar aggregate classification (germline): Uncertain significance. Review status: criteria provided, multiple submitters, no conflicts (2 of 4 stars). 3 submissions from 3 submitters: Uncertain significance (3). Last evaluated 2023-02-24.

Conditions:
Cardiomyopathy (CMYO). Also called: Cardiomyopathies. Identifiers: Orphanet 167848, MedGen C0878544, MONDO:0004994, HP:0001638. Inheritance: Various modes of inheritance.
Hypertrophic cardiomyopathy. Also called: HYPERTROPHIC MYOCARDIOPATHY. Identifiers: Orphanet 217569, MedGen C0007194, MeSH D002312, MONDO:0005045, HP:0001639.

Submissions (3):

All of Us Research Program, National Institutes of Health
Classification: Uncertain significance for Hypertrophic cardiomyopathy. Last evaluated: 2023-02-24. Review status: criteria provided, single submitter. Criteria: ACMG Guidelines, 2015. Collection method: clinical testing. Allele origin: germline. Inheritance: Autosomal dominant inheritance. Observed: 1 variant allele, 1 heterozygote.
Comment: Variant of Uncertain Significance due to insufficient evidence: This missense variant replaces phenylalanine with leucine at codon 1177 of the MYBPC3 protein. Computational prediction tools and conservation analyses are inconclusive regarding the impact of this variant on the protein function. Computational splicing tools suggest that this variant may not impact RNA splicing. To our knowledge, functional assays have not been performed for this variant. This variant has been reported in an individual affected with hypertrophic cardiomyopathy (PMID: 22267749). This variant is rare in the general population and has been identified in 0/277264 chromosomes by the Genome Aggregation Database (gnomAD). Available evidence is insufficient to determine the role of this variant in disease conclusively.

This study involves interpretation of variants in research participants for the purpose of population health screening. Participant phenotype was not available at the time of variant classification. Additional details can be found in publication PMID: 35346344, PMCID: PMC8962531

Color Diagnostics, LLC DBA Color Health
Classification: Uncertain significance for Cardiomyopathy. Last evaluated: 2023-01-27. Review status: criteria provided, single submitter. Criteria: ACMG Guidelines, 2015. Collection method: clinical testing. Allele origin: germline.
Comment: This missense variant replaces phenylalanine with leucine at codon 1177 of the MYBPC3 protein. Computational prediction suggests that this variant may not impact protein structure and function (internally defined REVEL score threshold <= 0.5, PMID: 27666373). To our knowledge, functional studies have not been reported for this variant. This variant has been reported in an individual affected with hypertrophic cardiomyopathy (PMID: 22267749). This variant has not been identified in the general population by the Genome Aggregation Database (gnomAD). The available evidence is insufficient to determine the role of this variant in disease conclusively. Therefore, this variant is classified as a Variant of Uncertain Significance.

Labcorp Genetics (formerly Invitae), Labcorp
Classification: Uncertain significance for Hypertrophic cardiomyopathy. Last evaluated: 2021-08-14. Review status: criteria provided, single submitter. Criteria: Invitae Variant Classification Sherloc (09022015). Collection method: clinical testing. Allele origin: germline.

Literature cited by the submitters: PubMed 22267749 (cited by All of Us Research Program, National Institutes of Health and Color Diagnostics, LLC DBA Color Health).

NM_000256.3(MYBPC3):c.3531C>G (p.Phe1177Leu)

Gene: MYBPC3 (myosin binding protein C3; minus strand). Cytogenetic location: 11p11.2.
Variant type: single nucleotide variant.
Coding change: c.3531C>G on transcript NM_000256.3 (MANE Select); coding-DNA position 3531, C replaced by G.
Protein change: p.Phe1177Leu; replaces phenylalanine 1177 with leucine.
Molecular consequence: missense variant.
Genome position (GRCh38, 1-based): chr11:47,332,662, G>C on the plus strand (C>G on the coding strand, the complement: MYBPC3 is on the minus strand). VCF-style: chr11-47332662-G-C. GRCh37 (hg19) VCF-style: chr11-47354213-G-C.
Other names: short protein forms F1177L.
Identifiers: ClinVar variation 927475 (VCV000927475.9), dbSNP rs2095878341, ClinGen allele CA380312706.